The following is an entry in ClinVar:

NM_000275.3(OCA2):c.1265del (p.Val422fs)

Gene: OCA2 (OCA2 melanosomal transmembrane protein; minus strand). Cytogenetic location: 15q13.1.
Variant type: Deletion.
Coding change: c.1265del on transcript NM_000275.3 (MANE Select); coding-DNA position 1265, one base deleted (T; older notation c.1265delT).
Protein change: p.Val422fs; shifts the reading frame from valine 422.
Molecular consequence: frameshift variant.
Genome position (GRCh38, 1-based): chr15:27,985,163, A deleted on the plus strand (T on the coding strand, the reverse complement: OCA2 is on the minus strand). VCF-style (leftmost placement, unchanged base first): chr15-27985162-CA-C. GRCh37 (hg19) VCF-style: chr15-28230308-CA-C.
Other names: c.1193del, p.Val398fs (NM_001300984.2); short protein forms V398fs, V422fs.
Identifiers: ClinVar variation 5015152 (VCV005015152.1).

ClinVar aggregate classification (germline): Pathogenic (1 of 4 stars; one submission).

Conditions:
Tyrosinase-positive oculocutaneous albinism (OCA2). Also called: ALBINISM II; Oculocutaneous albinism type 2; Albinism, oculocutaneous, type II. Identifiers: Orphanet 79432, MedGen C0268495, MONDO:0008746, OMIM 203200.

Submission:

Myriad Genetics, Inc.
Classification: Pathogenic for Tyrosinase-positive oculocutaneous albinism. Last evaluated: 2025-10-28. Review status: criteria provided, single submitter. Criteria: Myriad Autosomal Dominant, Autosomal Recessive and X-Linked Classification Criteria (2023). Collection method: clinical testing. Allele origin: unknown.
Comment: NM_000275.2(OCA2):c.1265delT(V422Gfs*4) is expected to be pathogenic in the context of oculocutaneous albinism, OCA2-related. This variant is predicted to lead to an abnormal or absent protein product due to the creation of a premature termination codon in OCA2, a gene where loss-of-function variants are known to be pathogenic. Please note: this variant was assessed in the context of healthy population screening.